The following is an entry in ClinVar:

NM_001035.3(RYR2):c.2998G>T (p.Ala1000Ser)

Gene: RYR2 (ryanodine receptor 2; plus strand). Cytogenetic location: 1q43.
Variant type: single nucleotide variant.
Coding change: c.2998G>T on transcript NM_001035.3 (MANE Select); coding-DNA position 2998, G replaced by T.
Protein change: p.Ala1000Ser; replaces alanine 1000 with serine.
Molecular consequence: missense variant.
Genome position (GRCh38, 1-based): chr1:237,548,522, G>T. VCF-style: chr1-237548522-G-T. GRCh37 (hg19) VCF-style: chr1-237711822-G-T.
Other names: c.2998G>T (NM_001035.2); short protein forms A1000S.
Identifiers: ClinVar variation 2196132 (VCV002196132.6), dbSNP rs761524753, ClinGen allele CA086262.

ClinVar aggregate classification (germline): Uncertain significance. Review status: criteria provided, multiple submitters, no conflicts (2 of 4 stars). 4 submissions from 4 submitters: Uncertain significance (4). Last evaluated 2025-08-07.

Conditions:
Cardiomyopathy (CMYO). Also called: Cardiomyopathies. Identifiers: Orphanet 167848, MedGen C0878544, MONDO:0004994, HP:0001638. Inheritance: Various modes of inheritance.
Catecholaminergic polymorphic ventricular tachycardia (CVPT). Also called: Catecholamine-induced polymorphic ventricular tachycardia. Identifiers: Orphanet 3286, MedGen C5574922, MONDO:0017990.
Catecholaminergic polymorphic ventricular tachycardia 1. Also called: VENTRICULAR TACHYCARDIA, CATECHOLAMINERGIC POLYMORPHIC, 1, WITH OR WITHOUT ATRIAL DYSFUNCTION AND/OR DILATED CARDIOMYOPATHY; RYR2-Related Catecholaminergic Polymorphic Ventricular Tachycardia; VENTRICULAR TACHYCARDIA, STRESS-INDUCED POLYMORPHIC 1. Identifiers: Orphanet 3286, MedGen C1631597, MONDO:0011484, OMIM 604772.

Allele frequency attached by ClinVar (database versions not stated): ExAC 0.00001; gnomAD 0.00001; gnomAD exomes 0.00001.
gnomAD v4.1: 7 of 1,613,876 alleles (0.00043%); highest among the groups gnomAD compares: Admixed American, 0.012%; no homozygotes.

Submissions (4):

Color Diagnostics, LLC DBA Color Health
Classification: Uncertain significance for Cardiomyopathy. Last evaluated: 2025-08-07. Review status: criteria provided, single submitter. Criteria: ACMG Guidelines, 2015. Collection method: clinical testing. Allele origin: germline.
Comment: This missense variant replaces alanine with serine at codon 1000 of the RYR2 protein. Computational prediction suggests that this variant may have deleterious impact on protein structure and function. To our knowledge, functional studies have not been reported for this variant. This variant has not been reported in individuals affected with RYR2-related disorders in the literature. This variant has been identified in 7/280590 chromosomes in the general population by the Genome Aggregation Database (gnomAD). The available evidence is insufficient to determine the role of this variant in disease conclusively. Therefore, this variant is classified as a Variant of Uncertain Significance.

GeneDx
Classification: Uncertain significance. Last evaluated: 2025-04-25. Review status: criteria provided, single submitter. Criteria: GeneDx Variant Classification Process June 2021. Collection method: clinical testing. Allele origin: germline. Affected: yes.
Comment: In silico analysis supports that this missense variant has a deleterious effect on protein structure/function; Has not been previously published as pathogenic or benign to our knowledge; Not located in one of the three hot-spot regions of the RYR2 gene, where the majority of pathogenic missense variants occur (PMID: 19926015); This variant is associated with the following publications: (PMID: 19926015)

Labcorp Genetics (formerly Invitae), Labcorp
Classification: Uncertain significance for Catecholaminergic polymorphic ventricular tachycardia 1. Last evaluated: 2025-01-01. Review status: criteria provided, single submitter. Criteria: Invitae Variant Classification Sherloc (09022015). Collection method: clinical testing. Allele origin: germline.
Comment: This sequence change replaces alanine, which is neutral and non-polar, with serine, which is neutral and polar, at codon 1000 of the RYR2 protein (p.Ala1000Ser). This variant is present in population databases (rs761524753, gnomAD 0.02%). This variant has not been reported in the literature in individuals affected with RYR2-related conditions. ClinVar contains an entry for this variant (Variation ID: 2196132). Invitae Evidence Modeling of protein sequence and biophysical properties (such as structural, functional, and spatial information, amino acid conservation, physicochemical variation, residue mobility, and thermodynamic stability) indicates that this missense variant is expected to disrupt RYR2 protein function with a positive predictive value of 95%. In summary, the available evidence is currently insufficient to determine the role of this variant in disease. Therefore, it has been classified as a Variant of Uncertain Significance.

All of Us Research Program, National Institutes of Health
Classification: Uncertain significance for Catecholaminergic polymorphic ventricular tachycardia. Last evaluated: 2023-09-17. Review status: criteria provided, single submitter. Criteria: ACMG Guidelines, 2015. Collection method: clinical testing. Allele origin: germline. Inheritance: Autosomal dominant inheritance. Observed: 1 variant allele, 1 heterozygote.
Comment: This missense variant replaces alanine with serine at codon 1000 of the RYR2 protein. Computational prediction suggests that this variant may have deleterious impact on protein structure and function (internally defined REVEL score threshold >= 0.7, PMID: 27666373). To our knowledge, functional studies have not been reported for this variant. This variant has not been reported in individuals affected with RYR2-related disorders in the literature. This variant has been identified in 7/280590 chromosomes in the general population by the Genome Aggregation Database (gnomAD). The available evidence is insufficient to determine the role of this variant in disease conclusively. Therefore, this variant is classified as a Variant of Uncertain Significance.

This study involves interpretation of variants in research participants for the purpose of population health screening. Participant phenotype was not available at the time of variant classification. Additional details can be found in publication PMID: 35346344, PMCID: PMC8962531